The following is an entry in ClinVar:

NM_031310.3(PLVAP):c.875C>T (p.Ala292Val)

Gene: PLVAP (plasmalemma vesicle associated protein; minus strand). Cytogenetic location: 19p13.11.
Variant type: single nucleotide variant.
Coding change: c.875C>T on transcript NM_031310.3 (MANE Select); coding-DNA position 875, C replaced by T.
Protein change: p.Ala292Val; replaces alanine 292 with valine.
Molecular consequence: missense variant.
Genome position (GRCh38, 1-based): chr19:17,365,590, G>A on the plus strand (C>T on the coding strand, the complement: PLVAP is on the minus strand). VCF-style: chr19-17365590-G-A. GRCh37 (hg19) VCF-style: chr19-17476399-G-A.
Other names: short protein forms A292V.
Identifiers: ClinVar variation 4628013 (VCV004628013.2).

ClinVar aggregate classification (germline): Uncertain significance. Review status: criteria provided, multiple submitters, no conflicts (2 of 4 stars). 2 submissions from 2 submitters: Uncertain significance (2). Last evaluated 2025-09-26.

Conditions:
Inborn genetic diseases. Identifiers: MedGen C0950123, MeSH D030342.

Submissions (2):

Ambry Genetics
Classification: Uncertain significance for Inborn genetic diseases. Last evaluated: 2025-09-26. Review status: criteria provided, single submitter. Criteria: Ambry Variant Classification Scheme 2023. Collection method: clinical testing. Allele origin: germline.

Labcorp Genetics (formerly Invitae), Labcorp
Classification: Uncertain significance. Last evaluated: 2025-04-17. Review status: criteria provided, single submitter. Criteria: Invitae Variant Classification Sherloc (09022015). Collection method: clinical testing. Allele origin: germline.
Comment: This sequence change replaces alanine, which is neutral and non-polar, with valine, which is neutral and non-polar, at codon 292 of the PLVAP protein (p.Ala292Val). This variant is present in population databases (rs374123136, gnomAD 0.01%). This variant has not been reported in the literature in individuals affected with PLVAP-related conditions. Invitae Evidence Modeling of protein sequence and biophysical properties (such as structural, functional, and spatial information, amino acid conservation, physicochemical variation, residue mobility, and thermodynamic stability) indicates that this missense variant is not expected to disrupt PLVAP protein function with a negative predictive value of 80%. In summary, the available evidence is currently insufficient to determine the role of this variant in disease. Therefore, it has been classified as a Variant of Uncertain Significance.